The following is an entry in ClinVar:

NM_001079802.2(FKTN):c.911-1G>A

Gene: FKTN (fukutin; plus strand). Cytogenetic location: 9q31.2.
Variant type: single nucleotide variant.
Coding change: c.911-1G>A on transcript NM_001079802.2 (MANE Select); the canonical splice acceptor site of the intron before coding-DNA position 911, G replaced by A.
Molecular consequence: splice acceptor variant.
Genome position (GRCh38, 1-based): chr9:105,617,958, G>A. VCF-style: chr9-105617958-G-A. GRCh37 (hg19) VCF-style: chr9-108380239-G-A.
Other names: c.911-1G>A (NM_006731.2, NM_001351496.2, NM_001198963.2 and 1 more transcripts); c.515-1G>A (NM_001351502.2, NM_001351499.2, NM_001351500.2 and 1 more transcripts); c.842-1G>A (NM_001351497.2).
Identifiers: ClinVar variation 595560 (VCV000595560.12), dbSNP rs958678700, ClinGen allele CA197450119.
Genomic context (GRCh38, chr9:105,617,958, plus strand): 5'-TTATAATAACTAATTTTTTCCAAACCTAAATTTTGTTAAAAAAATTTAATCTTCTTTTTA[G>A]GATGGTATCGACAATGCAACATTATTCCTTATAGCAAAGATGTTGACCTAGGAATTTTTA-3'

ClinVar aggregate classification (germline): Pathogenic/Likely pathogenic. Review status: criteria provided, multiple submitters, no conflicts (2 of 4 stars). 4 submissions from 4 submitters: Pathogenic (1); Likely pathogenic (3). Last evaluated 2025-08-27.

Conditions:
Dilated cardiomyopathy 1X (CMD1X). Also called: FKTN-Related Dilated Cardiomyopathy; CARDIOMYOPATHY, DILATED, WITH MILD OR NO PROXIMAL MUSCLE WEAKNESS. Identifiers: Orphanet 154, MedGen C1969024, MONDO:0012704, OMIM 611615.
Walker-Warburg congenital muscular dystrophy. Also called: Muscular dystrophy-dystroglycanopathy, type A; Walker-Warburg syndrome. Identifiers: Orphanet 899, MedGen C0265221, MONDO:0000171.
Myopathy caused by variation in FKTN. Identifiers: MedGen CN305638, MONDO:0700067.

Allele frequency attached by ClinVar (database versions not stated): gnomAD exomes below 0.00001; gnomAD 0.00001.
gnomAD v4.1: 5 of 1,567,944 alleles (0.00032%); highest among the groups gnomAD compares: Admixed American, 0.0017%; no homozygotes.

Submissions (4):

Myriad Genetics, Inc.
Classification: Likely pathogenic for Myopathy caused by variation in FKTN. Last evaluated: 2025-08-27. Review status: criteria provided, single submitter. Criteria: Myriad Autosomal Dominant, Autosomal Recessive and X-Linked Classification Criteria (2023). Collection method: clinical testing. Allele origin: unknown.
Comment: NM_001079802.1(FKTN):c.911-1G>A is a variant in a canonical splice site classified as likely pathogenic in the context of FKTN-related disorders. c.911-1G>A has not been observed in cases with relevant disease. Relevant functional assessments of this variant are not available in the literature. c.911-1G>A has not been observed in referenced population frequency databases. In summary, NM_001079802.1(FKTN):c.911-1G>A is a variant in a canonical splice site in a gene where loss of function is a known mechanism of disease and is predicted to disrupt protein function. Please note: this variant was assessed in the context of healthy population screening.

Labcorp Genetics (formerly Invitae), Labcorp
Classification: Likely pathogenic for Walker-Warburg congenital muscular dystrophy. Last evaluated: 2024-12-23. Review status: criteria provided, single submitter. Criteria: Invitae Variant Classification Sherloc (09022015). Collection method: clinical testing. Allele origin: germline.
Comment: This sequence change affects an acceptor splice site in intron 8 of the FKTN gene. It is expected to disrupt RNA splicing. Variants that disrupt the donor or acceptor splice site typically lead to a loss of protein function (PMID: 16199547), and loss-of-function variants in FKTN are known to be pathogenic (PMID: 17044012, 17878207, 18752264). This variant is not present in population databases (gnomAD no frequency). This variant has not been reported in the literature in individuals affected with FKTN-related conditions. ClinVar contains an entry for this variant (Variation ID: 595560). Algorithms developed to predict the effect of sequence changes on RNA splicing suggest that this variant may disrupt the consensus splice site. In summary, the currently available evidence indicates that the variant is pathogenic, but additional data are needed to prove that conclusively. Therefore, this variant has been classified as Likely Pathogenic.

Baylor Genetics
Classification: Likely pathogenic for Dilated cardiomyopathy 1X. Last evaluated: 2023-10-19. Review status: criteria provided, single submitter. Criteria: ACMG Guidelines, 2015. Collection method: clinical testing. Allele origin: unknown.

Eurofins Ntd Llc (ga)
Classification: Pathogenic. Last evaluated: 2017-12-28. Review status: criteria provided, single submitter. Criteria: EGL Classification Definitions 2015. Collection method: clinical testing. Allele origin: germline. Observed: 1 variant allele, 1 heterozygote.

Literature cited by the submitters: PubMed 16199547 (cited by Labcorp Genetics (formerly Invitae), Labcorp); PubMed 17044012 (cited by Labcorp Genetics (formerly Invitae), Labcorp); PubMed 17878207 (cited by Labcorp Genetics (formerly Invitae), Labcorp); PubMed 18752264 (cited by Labcorp Genetics (formerly Invitae), Labcorp).